The following is an entry in ClinVar:

NM_177972.3(TUB):c.492C>T (p.Asp164=)

Genes: RIC3 (RIC3 acetylcholine receptor chaperone; minus strand), TUB (TUB bipartite transcription factor; plus strand). Cytogenetic location: 11p15.4.
Variant type: single nucleotide variant.
Coding change: c.492C>T on transcript NM_177972.3 (MANE Select); coding-DNA position 492, C replaced by T.
Protein change: p.Asp164=; no amino-acid change (aspartic acid 164 retained).
Molecular consequence: synonymous variant.
Genome position (GRCh38, 1-based): chr11:8,095,592, C>T. VCF-style: chr11-8095592-C-T. GRCh37 (hg19) VCF-style: chr11-8117139-C-T.
Other names: c.657C>T, p.Asp219= (NM_003320.5); c.657C>T (NM_003320.4).
Identifiers: ClinVar variation 1077918 (VCV001077918.12), dbSNP rs201857968, ClinGen allele CA5871109.

ClinVar aggregate classification (germline): Likely benign. Review status: criteria provided, multiple submitters, no conflicts (2 of 4 stars). 3 submissions from 3 submitters: Likely benign (2). 1 of the submissions does not count toward it. Last evaluated 2025-04-08.

Conditions:
TUB-related disorder. Also called: TUB-related condition.

Allele frequency attached by ClinVar (database versions not stated): gnomAD exomes 0.00022.
gnomAD v4.1: 531 of 1,612,894 alleles (0.033%); highest among the groups gnomAD compares: Non-Finnish European, 0.043%; no homozygotes.

Submissions (3):

Labcorp Genetics (formerly Invitae), Labcorp
Classification: Likely benign. Last evaluated: 2025-04-08. Review status: criteria provided, single submitter. Criteria: Invitae Variant Classification Sherloc (09022015). Collection method: clinical testing. Allele origin: germline.

Blueprint Genetics
Classification: Likely benign. Last evaluated: 2024-03-08. Review status: criteria provided, single submitter. Criteria: ACMG Guidelines, 2015. Collection method: clinical testing. Allele origin: germline.

PreventionGenetics, part of Exact Sciences
Classification: Likely benign for TUB-related condition. Last evaluated: 2021-11-09. Review status: no assertion criteria provided. Collection method: clinical testing. Allele origin: germline. Not counted in ClinVar's aggregate classification.
Comment: This variant is classified as likely benign based on ACMG/AMP sequence variant interpretation guidelines (Richards et al. 2015 PMID: 25741868, with internal and published modifications).